The following is an entry in ClinVar:

ClinVar aggregate classification (germline): Uncertain significance (1 of 4 stars; one submission).

Conditions:
Pitt-Hopkins-like syndrome 2 (PTHSL2). Identifiers: Orphanet 221150, Orphanet 600663, MedGen C3280479, MONDO:0013690, OMIM 614325.

gnomAD v4.1: 1 of 1,613,992 alleles (0.000062%); highest among the groups gnomAD compares: Non-Finnish European, 0.000085%; no homozygotes.

Submission:

Labcorp Genetics (formerly Invitae), Labcorp
Classification: Uncertain significance for Pitt-Hopkins-like syndrome 2. Last evaluated: 2025-11-24. Review status: criteria provided, single submitter. Criteria: Invitae Variant Classification Sherloc (09022015). Collection method: clinical testing. Allele origin: germline.
Comment: This sequence change replaces valine, which is neutral and non-polar, with methionine, which is neutral and non-polar, at codon 708 of the NRXN1 protein (p.Val708Met). This variant is not present in population databases (gnomAD no frequency). This variant has not been reported in the literature in individuals affected with NRXN1-related conditions. An algorithm developed to predict the effect of missense changes on protein structure and function (PolyPhen-2) suggests that this variant is likely to be disruptive. In summary, the available evidence is currently insufficient to determine the role of this variant in disease. Therefore, it has been classified as a Variant of Uncertain Significance.

NM_001330078.2(NRXN1):c.2002G>A (p.Val668Met)

Gene: NRXN1 (neurexin 1; minus strand). Cytogenetic location: 2p16.3.
Variant type: single nucleotide variant.
Coding change: c.2002G>A on transcript NM_001330078.2 (MANE Select); coding-DNA position 2002, G replaced by A.
Protein change: p.Val668Met; replaces valine 668 with methionine.
Molecular consequence: missense variant.
Genome position (GRCh38, 1-based): chr2:50,538,394, C>T on the plus strand (G>A on the coding strand, the complement: NRXN1 is on the minus strand). VCF-style: chr2-50538394-C-T. GRCh37 (hg19) VCF-style: chr2-50765532-C-T.
Other names: c.1918G>A, p.Val640Met (NM_001330087.2, NM_001330096.2); c.1948G>A, p.Val650Met (NM_001330088.2); c.1999G>A, p.Val667Met (NM_001330093.2); c.1990G>A, p.Val664Met (NM_001330094.2); c.1978G>A, p.Val660Met (NM_001330095.2, NM_001330077.2, NM_001330082.2); c.2002G>A, p.Val668Met (NM_004801.6, NM_001330085.2, NM_001330086.2); c.2122G>A, p.Val708Met (NM_001135659.3); c.1963G>A, p.Val655Met (NM_001330083.2, NM_001330084.2); short protein forms V660M, V667M, V664M, V640M, V655M, V708M, V650M, V668M.
Identifiers: ClinVar variation 4726172 (VCV004726172.1).